The following is an entry in ClinVar:

ClinVar aggregate classification (germline): Uncertain significance. Review status: criteria provided, multiple submitters, no conflicts (2 of 4 stars). 2 submissions from 2 submitters: Uncertain significance (2). Last evaluated 2026-07-13.

Conditions:
ISL1-related disorder. Also called: ISL1-related condition.

Allele frequency attached by ClinVar (database versions not stated): gnomAD 0.00001; gnomAD exomes 0.00002; TOPMed 0.00002.
gnomAD v4.1: 36 of 1,614,078 alleles (0.0022%); highest among the groups gnomAD compares: Non-Finnish European, 0.0029%; no homozygotes.

Submissions (2):

PreventionGenetics, part of Exact Sciences
Classification: Uncertain significance for ISL1-related condition. Last evaluated: 2026-07-13. Review status: criteria provided, single submitter. Criteria: ACMG Guidelines, 2015. Collection method: clinical testing. Allele origin: germline.
Comment: The ISL1 c.367C>T variant is predicted to result in the amino acid substitution p.Arg123Trp. To our knowledge, this variant has not been reported in the literature. This variant is reported in 0.00088% of alleles in individuals of European (Non-Finnish) descent in gnomAD. At this time, the clinical significance of this variant is uncertain due to the absence of conclusive functional and genetic evidence.

Ambry Genetics
Classification: Uncertain significance. Last evaluated: 2025-12-09. Review status: criteria provided, single submitter. Criteria: Ambry Variant Classification Scheme 2023. Collection method: clinical testing. Allele origin: germline.

NM_002202.3(ISL1):c.367C>T (p.Arg123Trp)

Gene: ISL1 (ISL LIM homeobox 1; plus strand). Cytogenetic location: 5q11.1.
Variant type: single nucleotide variant.
Coding change: c.367C>T on transcript NM_002202.3 (MANE Select); coding-DNA position 367, C replaced by T.
Protein change: p.Arg123Trp; replaces arginine 123 with tryptophan.
Molecular consequence: missense variant.
Genome position (GRCh38, 1-based): chr5:51,387,638, C>T. VCF-style: chr5-51387638-C-T. GRCh37 (hg19) VCF-style: chr5-50683472-C-T.
Other names: short protein forms R123W.
Identifiers: ClinVar variation 2568939 (VCV002568939.5), dbSNP rs1273919502, ClinGen allele CA359712045.